The following is an entry in ClinVar:

NM_004415.4(DSP):c.8553C>T (p.Asp2851=)

Gene: DSP (desmoplakin; plus strand). Cytogenetic location: 6p24.3.
Variant type: single nucleotide variant.
Coding change: c.8553C>T on transcript NM_004415.4 (MANE Select); coding-DNA position 8553, C replaced by T.
Protein change: p.Asp2851=; no amino-acid change (aspartic acid 2851 retained).
Molecular consequence: synonymous variant.
Genome position (GRCh38, 1-based): chr6:7,585,815, C>T. VCF-style: chr6-7585815-C-T. GRCh37 (hg19) VCF-style: chr6-7586048-C-T.
Other names: c.6756C>T, p.Asp2252= (NM_001008844.3); c.7224C>T, p.Asp2408= (NM_001319034.2).
Identifiers: ClinVar variation 505572 (VCV000505572.10), dbSNP rs1554109307, ClinGen allele CA448531292.

ClinVar aggregate classification (germline): Conflicting classifications of pathogenicity. Review status: criteria provided, conflicting classifications (1 of 4 stars). 4 submissions from 4 submitters: Uncertain significance (1); Likely benign (3). Last evaluated 2026-04-23.

Conditions:
Cardiovascular phenotype. Identifiers: MedGen CN230736.
Arrhythmogenic cardiomyopathy with wooly hair and keratoderma. Also called: PALMOPLANTAR KERATODERMA WITH LEFT VENTRICULAR CARDIOMYOPATHY AND WOOLLY HAIR; Carvajal syndrome; Arrhythmogenic cardiomyopathy with woolly hair and keratoderma; Dilated cardiomyopathy with woolly hair and keratoderma. Identifiers: Orphanet 65282, MedGen C1854063, MONDO:0011581, OMIM 605676.
Arrhythmogenic right ventricular dysplasia 8 (ARVD8). Also called: Arrhythmogenic Right Ventricular Dysplasia/Cardiomyopathy 8; ARRHYTHMOGENIC RIGHT VENTRICULAR DYSPLASIA, FAMILIAL, 8; ARRHYTHMOGENIC RIGHT VENTRICULAR CARDIOMYOPATHY 8. Identifiers: MedGen C1843896, MONDO:0011831, OMIM 607450.

gnomAD v4.1: 2 of 1,611,146 alleles (0.00012%); highest among the groups gnomAD compares: Non-Finnish European, 0.00017%; no homozygotes.

Submissions (4):

Ambry Genetics
Classification: Likely benign for Cardiovascular phenotype. Last evaluated: 2026-04-23. Review status: criteria provided, single submitter. Criteria: Ambry Variant Classification Scheme 2023. Collection method: clinical testing. Allele origin: germline.

All of Us Research Program, National Institutes of Health
Classification: Uncertain significance for Arrhythmogenic cardiomyopathy with wooly hair and keratoderma. Last evaluated: 2023-11-30. Review status: criteria provided, single submitter. Criteria: ACMG Guidelines, 2015. Collection method: clinical testing. Allele origin: germline. Inheritance: Autosomal dominant inheritance. Observed: 4 variant alleles, 4 heterozygotes.
Comment: This variant is located in the DSP protein. To our knowledge, functional studies have not been reported for this variant. This variant has not been reported in individuals affected with DSP-related disorders in the literature. This variant has not been identified in the general population by the Genome Aggregation Database (gnomAD). The available evidence is insufficient to determine the role of this variant in disease conclusively. Therefore, this variant is classified as a Variant of Uncertain Significance.

This study involves interpretation of variants in research participants for the purpose of population health screening. Participant phenotype was not available at the time of variant classification. Additional details can be found in publication PMID: 35346344, PMCID: PMC8962531

Labcorp Genetics (formerly Invitae), Labcorp
Classification: Likely benign for Arrhythmogenic cardiomyopathy with wooly hair and keratoderma; Arrhythmogenic right ventricular dysplasia 8. Last evaluated: 2019-11-01. Review status: criteria provided, single submitter. Criteria: Invitae Variant Classification Sherloc (09022015). Collection method: clinical testing. Allele origin: germline.

Laboratory for Molecular Medicine, Mass General Brigham Personalized Medicine
Classification: Likely benign. Last evaluated: 2017-01-20. Review status: criteria provided, single submitter. Criteria: LMM Criteria. Collection method: clinical testing. Allele origin: germline. Observed: 1 variant allele.
Comment: p.Asp2851Asp in exon 24 of DSP: This variant is not expected to have clinical si gnificance because it does not alter an amino acid residue and is not located wi thin the splice consensus sequence.